The following is an entry in ClinVar:

ClinVar aggregate classification (germline): Uncertain significance. Review status: criteria provided, multiple submitters, no conflicts (2 of 4 stars). 2 submissions from 2 submitters: Uncertain significance (2). Last evaluated 2024-04-22.

Conditions:
Melanoma, cutaneous malignant, susceptibility to, 5. Also called: Cutaneous malignant melanoma 5. Identifiers: Orphanet 618, MedGen C2751295, MONDO:0013133, OMIM 613099.
SKIN/HAIR/EYE PIGMENTATION, VARIATION IN, 2 (SHEP2). Also called: BLOND HAIR/FAIR SKIN; HAIR COLOR 2; RED HAIR COLOR. Identifiers: MedGen C1849452, OMIM 266300.
Increased analgesia from kappa-opioid receptor agonist, female-specific. Identifiers: MedGen C2751296, OMIM 613098.
Tyrosinase-positive oculocutaneous albinism (OCA2). Also called: Albinism, oculocutaneous, type II; ALBINISM II; Oculocutaneous albinism type 2. Identifiers: Orphanet 79432, MedGen C0268495, MONDO:0008746, OMIM 203200.

Allele frequency attached by ClinVar (database versions not stated): gnomAD exomes 0.00001 and 0.00002; TOPMed 0.00001; ExAC 0.00006; ESP Exome Variant Server 0.00015.

Submissions (2):

Fulgent Genetics
Classification: Uncertain significance for Tyrosinase-positive oculocutaneous albinism; SKIN/HAIR/EYE PIGMENTATION, VARIATION IN, 2; Increased analgesia from kappa-opioid receptor agonist, female-specific; Melanoma, cutaneous malignant, susceptibility to, 5. Last evaluated: 2024-04-22. Review status: criteria provided, single submitter. Criteria: ACMG Guidelines, 2015. Collection method: clinical testing. Allele origin: germline.

Labcorp Genetics (formerly Invitae), Labcorp
Classification: Uncertain significance for Melanoma, cutaneous malignant, susceptibility to, 5. Last evaluated: 2023-08-10. Review status: criteria provided, single submitter. Criteria: Invitae Variant Classification Sherloc (09022015). Collection method: clinical testing. Allele origin: germline.
Comment: This sequence change replaces methionine, which is neutral and non-polar, with valine, which is neutral and non-polar, at codon 73 of the MC1R protein (p.Met73Val). In summary, the available evidence is currently insufficient to determine the role of this variant in disease. Therefore, it has been classified as a Variant of Uncertain Significance. Advanced modeling of protein sequence and biophysical properties (such as structural, functional, and spatial information, amino acid conservation, physicochemical variation, residue mobility, and thermodynamic stability) has been performed at Invitae for this missense variant, however the output from this modeling did not meet the statistical confidence thresholds required to predict the impact of this variant on MC1R protein function. ClinVar contains an entry for this variant (Variation ID: 1381787). This variant has not been reported in the literature in individuals affected with MC1R-related conditions. This variant is present in population databases (rs371458749, gnomAD 0.01%).

NM_002386.4(MC1R):c.217A>G (p.Met73Val)

Gene: MC1R (melanocortin 1 receptor; plus strand). Cytogenetic location: 16q24.3.
Variant type: single nucleotide variant.
Coding change: c.217A>G on transcript NM_002386.4 (MANE Select); coding-DNA position 217, A replaced by G.
Protein change: p.Met73Val; replaces methionine 73 with valine.
Molecular consequence: missense variant.
Genome position (GRCh38, 1-based): chr16:89,919,475, A>G. VCF-style: chr16-89919475-A-G. GRCh37 (hg19) VCF-style: chr16-89985883-A-G.
Other names: short protein forms M73V.
Identifiers: ClinVar variation 1381787 (VCV001381787.7), dbSNP rs371458749, ClinGen allele CA8255525.